The following is an entry in ClinVar:

ClinVar aggregate classification (germline): Pathogenic (1 of 4 stars; one submission).

Conditions:
Duchenne muscular dystrophy (DMD). Also called: MUSCULAR DYSTROPHY, PSEUDOHYPERTROPHIC PROGRESSIVE, DUCHENNE TYPE; Duchenne Muscular Dystrophy (DMD). Identifiers: Orphanet 98896, MedGen C0013264, MONDO:0010679, OMIM 310200.

Submission:

Labcorp Genetics (formerly Invitae), Labcorp
Classification: Pathogenic for Duchenne muscular dystrophy. Last evaluated: 2023-10-14. Review status: criteria provided, single submitter. Criteria: Invitae Variant Classification Sherloc (09022015). Collection method: clinical testing. Allele origin: unknown.
Comment: This variant is a gross deletion of the genomic region encompassing exon(s) 8-11 of the DMD gene. This deletion is out-of-frame, and is expected to create a premature termination codon and result in an absent or disrupted protein product. Loss-of-function variants in DMD are known to be pathogenic (PMID: 16770791, 25007885). A similar copy number variant has been observed in individuals with Duchenne or Becker muscular dystrophy (PMID: 11409318, 15723292, 31081998). For these reasons, this variant has been classified as Pathogenic.

Literature cited by the submitters: PubMed 16770791; PubMed 25007885; PubMed 11409318; PubMed 15723292; PubMed 31081998.

NC_000023.10:g.(?_32662229)_(32756908_?)del

Gene: DMD (dystrophin; minus strand). Cytogenetic location: Xp21.1.
Variant type: Deletion.
Identifiers: ClinVar variation 3248472 (VCV003248472.1).